The following is an entry in ClinVar:

ClinVar aggregate classification (germline): Uncertain significance (1 of 4 stars; one submission).

Allele frequency attached by ClinVar (database versions not stated): gnomAD exomes below 0.00001.
gnomAD v4.1: 2 of 1,612,764 alleles (0.00012%); highest among the groups gnomAD compares: African/African-American, 0.0013%; no homozygotes.

Submission:

GeneDx
Classification: Uncertain significance. Last evaluated: 2022-03-15. Review status: criteria provided, single submitter. Criteria: GeneDx Variant Classification Process June 2021. Collection method: clinical testing. Allele origin: germline. Affected: yes.
Comment: Not observed at significant frequency in large population cohorts (gnomAD); In silico analysis supports that this missense variant has a deleterious effect on protein structure/function; Has not been previously published as pathogenic or benign to our knowledge

NM_004523.4(KIF11):c.585A>G (p.Ile195Met)

Gene: KIF11 (kinesin family member 11; plus strand). Cytogenetic location: 10q23.33.
Variant type: single nucleotide variant.
Coding change: c.585A>G on transcript NM_004523.4 (MANE Select); coding-DNA position 585, A replaced by G.
Protein change: p.Ile195Met; replaces isoleucine 195 with methionine.
Molecular consequence: missense variant.
Genome position (GRCh38, 1-based): chr10:92,609,396, A>G. VCF-style: chr10-92609396-A-G. GRCh37 (hg19) VCF-style: chr10-94369153-A-G.
Other names: short protein forms I195M.
Identifiers: ClinVar variation 1706133 (VCV001706133.2), dbSNP rs2492482280, ClinGen allele CA377589683.